The following is an entry in ClinVar:

ClinVar aggregate classification (germline): Uncertain significance. Review status: criteria provided, multiple submitters, no conflicts (2 of 4 stars). 2 submissions from 2 submitters: Uncertain significance (2). Last evaluated 2025-05-17.

Conditions:
Brachyolmia-amelogenesis imperfecta syndrome. Also called: PLATYSPONDYLY WITH AMELOGENESIS IMPERFECTA; Tooth agenesis, selective, 6; Dental anomalies and short stature. Identifiers: Orphanet 2899, MedGen C1832594, MONDO:0011018, OMIM 601216. Disease mechanism: loss of function.
Inborn genetic diseases. Identifiers: MedGen C0950123, MeSH D030342.

gnomAD v4.1: 2 of 1,474,446 alleles (0.00014%); highest among the groups gnomAD compares: Non-Finnish European, 0.00009%; no homozygotes.

Submissions (2):

Ambry Genetics
Classification: Uncertain significance for Inborn genetic diseases. Last evaluated: 2025-05-17. Review status: criteria provided, single submitter. Criteria: Ambry Variant Classification Scheme 2023. Collection method: clinical testing. Allele origin: germline.
Comment: The p.R1292C variant (also known as c.3874C>T), located in coding exon 28 of the LTBP3 gene, results from a C to T substitution at nucleotide position 3874. The arginine at codon 1292 is replaced by cysteine, an amino acid with highly dissimilar properties. This amino acid position is conserved. In addition, this alteration is predicted to be deleterious by in silico analysis. Based on the available evidence, the clinical significance of this variant remains unclear.

Labcorp Genetics (formerly Invitae), Labcorp
Classification: Uncertain significance for Brachyolmia-amelogenesis imperfecta syndrome. Last evaluated: 2024-05-18. Review status: criteria provided, single submitter. Criteria: Invitae Variant Classification Sherloc (09022015). Collection method: clinical testing. Allele origin: germline.
Comment: This sequence change replaces arginine, which is basic and polar, with cysteine, which is neutral and slightly polar, at codon 1292 of the LTBP3 protein (p.Arg1292Cys). This variant is not present in population databases (gnomAD no frequency). This variant has not been reported in the literature in individuals affected with LTBP3-related conditions. An algorithm developed to predict the effect of missense changes on protein structure and function (PolyPhen-2) suggests that this variant is likely to be disruptive. In summary, the available evidence is currently insufficient to determine the role of this variant in disease. Therefore, it has been classified as a Variant of Uncertain Significance.

NM_001130144.3(LTBP3):c.3874C>T (p.Arg1292Cys)

Gene: LTBP3 (latent transforming growth factor beta binding protein 3; minus strand). Cytogenetic location: 11q13.1.
Variant type: single nucleotide variant.
Coding change: c.3874C>T on transcript NM_001130144.3 (MANE Select); coding-DNA position 3874, C replaced by T.
Protein change: p.Arg1292Cys; replaces arginine 1292 with cysteine.
Molecular consequence: missense variant.
Genome position (GRCh38, 1-based): chr11:65,539,118, G>A on the plus strand (C>T on the coding strand, the complement: LTBP3 is on the minus strand). VCF-style: chr11-65539118-G-A. GRCh37 (hg19) VCF-style: chr11-65306589-G-A.
Other names: c.3382C>T, p.Arg1128Cys (NM_001164266.1); c.3733C>T, p.Arg1245Cys (NM_021070.4); c.3874C>T (NM_001130144.2); short protein forms R1128C, R1245C, R1292C.
Identifiers: ClinVar variation 3710093 (VCV003710093.3).